The following is an entry in ClinVar:

ClinVar aggregate classification (germline): Uncertain significance (1 of 4 stars; one submission).

Conditions:
Hereditary cancer-predisposing syndrome. Also called: Neoplastic Syndromes, Hereditary; Tumor predisposition; Hereditary Cancer Syndrome; Hereditary neoplastic syndrome. Identifiers: Orphanet 140162, MedGen C0027672, MeSH D009386, MONDO:0015356.

Submission:

Ambry Genetics
Classification: Uncertain significance for Hereditary cancer-predisposing syndrome. Last evaluated: 2026-03-02. Review status: criteria provided, single submitter. Criteria: Ambry Variant Classification Scheme 2023. Collection method: clinical testing. Allele origin: germline.
Comment: The p.K1101N variant (also known as c.3303G>C), located in coding exon 20 of the ALK gene, results from a G to C substitution at nucleotide position 3303. The lysine at codon 1101 is replaced by asparagine, an amino acid with similar properties. This amino acid position is highly conserved in available vertebrate species. In addition, the in silico prediction for this alteration is inconclusive. Based on the available evidence, the clinical significance of this variant remains unclear.

NM_004304.5(ALK):c.3303G>C (p.Lys1101Asn)

Gene: ALK (ALK receptor tyrosine kinase; minus strand). Cytogenetic location: 2p23.2.
Variant type: single nucleotide variant.
Coding change: c.3303G>C on transcript NM_004304.5 (MANE Select); coding-DNA position 3303, G replaced by C.
Protein change: p.Lys1101Asn; replaces lysine 1101 with asparagine.
Molecular consequence: missense variant.
Genome position (GRCh38, 1-based): chr2:29,223,398, C>G on the plus strand (G>C on the coding strand, the complement: ALK is on the minus strand). VCF-style: chr2-29223398-C-G. GRCh37 (hg19) VCF-style: chr2-29446264-C-G.
Other names: c.99G>C, p.Lys33Asn (NM_001353765.2); short protein forms K1101N, K33N.
Identifiers: ClinVar variation 4827098 (VCV004827098.1).
Genomic context (GRCh38, chr2:29,223,398, plus strand): 5'-TCACCGAATGAGGGTGATGTTTTTCCGCGGCACCTCCTTCAGGTCACTGATGGAGGAGGT[C>G]TTGCCAGCAAAGCAGTAGTTGGGGTTGTAGTCGGTCATGATGGTCGAGGTGCGGAGCTTG-3'
Protein context (NP_004295.2, residues 1091-1111): DYNPNYCFAG[Lys1101Asn]TSSISDLKEV